The following is an entry in ClinVar:

NM_014014.5(SNRNP200):c.3585C>T (p.Arg1195=)

Gene: SNRNP200 (small nuclear ribonucleoprotein U5 subunit 200; minus strand). Cytogenetic location: 2q11.2.
Variant type: single nucleotide variant.
Coding change: c.3585C>T on transcript NM_014014.5 (MANE Select); coding-DNA position 3585, C replaced by T.
Protein change: p.Arg1195=; no amino-acid change (arginine 1195 retained).
Molecular consequence: synonymous variant.
Genome position (GRCh38, 1-based): chr2:96,287,060, G>A on the plus strand (C>T on the coding strand, the complement: SNRNP200 is on the minus strand). VCF-style: chr2-96287060-G-A. GRCh37 (hg19) VCF-style: chr2-96952798-G-A.
Other names: c.3585C>T (NM_014014.4).
Identifiers: ClinVar variation 1156133 (VCV001156133.11), dbSNP rs765610901, ClinGen allele CA1778428.

ClinVar aggregate classification (germline): Likely benign. Review status: criteria provided, single submitter (1 of 4 stars). 2 submissions from 2 submitters: Likely benign (1). 1 of the submissions does not count toward it. Last evaluated 2025-05-29.

Conditions:
SNRNP200-related disorder. Also called: SNRNP200-related condition.

Allele frequency attached by ClinVar (database versions not stated): ExAC 0.00002; gnomAD 0.00002 and 0.00003; TOPMed 0.00002; gnomAD exomes 0.00003 and 0.00005.
gnomAD v4.1: 75 of 1,614,094 alleles (0.0046%); highest among the groups gnomAD compares: Non-Finnish European, 0.0058%; no homozygotes.

Submissions (2):

Labcorp Genetics (formerly Invitae), Labcorp
Classification: Likely benign. Last evaluated: 2025-05-29. Review status: criteria provided, single submitter. Criteria: Invitae Variant Classification Sherloc (09022015). Collection method: clinical testing. Allele origin: germline.

PreventionGenetics, part of Exact Sciences
Classification: Likely benign for SNRNP200-related condition. Last evaluated: 2019-05-07. Review status: no assertion criteria provided. Collection method: clinical testing. Allele origin: germline. Not counted in ClinVar's aggregate classification.
Comment: This variant is classified as likely benign based on ACMG/AMP sequence variant interpretation guidelines (Richards et al. 2015 PMID: 25741868, with internal and published modifications).